The following is an entry in ClinVar:

NM_032242.4(PLXNA1):c.4009G>A (p.Glu1337Lys)

Gene: PLXNA1 (plexin A1; plus strand). Cytogenetic location: 3q21.3.
Variant type: single nucleotide variant.
Coding change: c.4009G>A on transcript NM_032242.4 (MANE Select); coding-DNA position 4009, G replaced by A.
Protein change: p.Glu1337Lys; replaces glutamic acid 1337 with lysine.
Molecular consequence: missense variant.
Genome position (GRCh38, 1-based): chr3:127,020,315, G>A. VCF-style: chr3-127020315-G-A. GRCh37 (hg19) VCF-style: chr3-126739158-G-A.
Other names: short protein forms E1337K.
Identifiers: ClinVar variation 3344276 (VCV003344276.1).

ClinVar aggregate classification (germline): Uncertain significance (0 of 4 stars; one submission).

Conditions:
PLXNA1-related disorder. Also called: PLXNA1-related condition.

gnomAD v4.1: 6 of 1,613,010 alleles (0.00037%); highest among the groups gnomAD compares: East Asian, 0.0022%; no homozygotes.

Submission:

PreventionGenetics, part of Exact Sciences
Classification: Uncertain significance for PLXNA1-related condition. Last evaluated: 2024-07-18. Review status: no assertion criteria provided. Collection method: clinical testing. Allele origin: germline.
Comment: The PLXNA1 c.4009G>A variant is predicted to result in the amino acid substitution p.Glu1337Lys. To our knowledge, this variant has not been reported in the literature. This variant is reported in 0.00089% of alleles in individuals of European (Non-Finnish) descent in gnomAD. At this time, the clinical significance of this variant is uncertain due to the absence of conclusive functional and genetic evidence.